The following is an entry in ClinVar:

ClinVar aggregate classification (germline): Uncertain significance (1 of 4 stars; one submission).

Submission:

Labcorp Genetics (formerly Invitae), Labcorp
Classification: Uncertain significance. Last evaluated: 2021-10-26. Review status: criteria provided, single submitter. Criteria: Invitae Variant Classification Sherloc (09022015). Collection method: clinical testing. Allele origin: germline.
Comment: In summary, the available evidence is currently insufficient to determine the role of this variant in disease. Therefore, it has been classified as a Variant of Uncertain Significance. This variant has not been reported in the literature in individuals affected with LRRC4-related conditions. This variant is not present in population databases (gnomAD no frequency). This sequence change creates a premature translational stop signal (p.Gln516*) in the LRRC4 gene. While this is not anticipated to result in nonsense mediated decay, it is expected to disrupt the last 138 amino acid(s) of the LRRC4 protein.

NM_022143.5(LRRC4):c.1546C>T (p.Gln516Ter)

Genes: LRRC4 (leucine rich repeat containing 4; minus strand), SND1 (staphylococcal nuclease and tudor domain containing 1; plus strand). Cytogenetic location: 7q32.1.
Variant type: single nucleotide variant.
Coding change: c.1546C>T on transcript NM_022143.5 (MANE Select); coding-DNA position 1546, C replaced by T.
Protein change: p.Gln516Ter; replaces glutamine 516 with a stop codon.
Molecular consequence: nonsense. On other transcripts: intron variant (1).
Genome position (GRCh38, 1-based): chr7:128,029,095, G>A on the plus strand (C>T on the coding strand, the complement: LRRC4 is on the minus strand). VCF-style: chr7-128029095-G-A. GRCh37 (hg19) VCF-style: chr7-127669148-G-A.
Other names: c.1779+38039G>A (NM_014390.4); c.1546C>T (NM_022143.4); short protein forms Q516*.
Identifiers: ClinVar variation 1440757 (VCV001440757.7), dbSNP rs2116980474, ClinGen allele CA369438021.